The following is an entry in ClinVar:

ClinVar aggregate classification (germline): Pathogenic. Review status: criteria provided, multiple submitters, no conflicts (2 of 4 stars). 10 submissions from 10 submitters: Pathogenic (7). 3 of the submissions do not count toward it. Last evaluated 2023-12-11.

Conditions:
NFU1-related disorder. Also called: NFU1-related condition.
Multiple mitochondrial dysfunctions syndrome 1 (MMDS1). Identifiers: Orphanet 401869, MedGen C3276432, MONDO:0011582, OMIM 605711.

Allele frequency attached by ClinVar (database versions not stated): gnomAD exomes 0.00006 and 0.00015; ExAC 0.00012; gnomAD 0.00012; ESP Exome Variant Server 0.00015; TOPMed 0.00017.
gnomAD v4.1: 109 of 1,613,872 alleles (0.0068%); highest among the groups gnomAD compares: Admixed American, 0.068%; no homozygotes.

Submissions (10):

Labcorp Genetics (formerly Invitae), Labcorp
Classification: Pathogenic for Multiple mitochondrial dysfunctions syndrome 1. Last evaluated: 2023-12-11. Review status: criteria provided, single submitter. Criteria: Invitae Variant Classification Sherloc (09022015). Collection method: clinical testing. Allele origin: germline.
Comment: This sequence change replaces glycine, which is neutral and non-polar, with cysteine, which is neutral and slightly polar, at codon 208 of the NFU1 protein (p.Gly208Cys). This variant is present in population databases (rs374514431, gnomAD 0.08%). This missense change has been observed in individual(s) with clinical features of multiple mitochondrial dysfunctions syndrome (PMID: 22077971, 28803783, 29441221, 31970900). In at least one individual the data is consistent with being in trans (on the opposite chromosome) from a pathogenic variant. It has also been observed to segregate with disease in related individuals. ClinVar contains an entry for this variant (Variation ID: 30700). Advanced modeling of protein sequence and biophysical properties (such as structural, functional, and spatial information, amino acid conservation, physicochemical variation, residue mobility, and thermodynamic stability) performed at Invitae indicates that this missense variant is expected to disrupt NFU1 protein function with a positive predictive value of 80%. Experimental studies have shown that this missense change affects NFU1 function (PMID: 22077971, 28161430, 31461310). For these reasons, this variant has been classified as Pathogenic.

PreventionGenetics, part of Exact Sciences
Classification: Pathogenic for NFU1-related condition. Last evaluated: 2023-01-25. Review status: criteria provided, single submitter. Criteria: ACMG Guidelines, 2015. Collection method: clinical testing. Allele origin: germline.
Comment: The NFU1 c.622G>T variant is predicted to result in the amino acid substitution p.Gly208Cys. This variant has been reported in the homozygous and compound heterozygous states in patients with multiple mitochondrial dysfunctions syndrome 1 (Navarro-Sastre et al. 2011. PubMed ID: 22077971; Lebigot et al. 2017. PubMed ID: 28803783). In vitro functional studies suggest that this variant impairs the transfer of Fe-S clusters to target apoproteins, and causes defects in the lipoic acid biosynthesis and complex II pathways (Ferrer-Cortès et al. 2013. PubMed ID: 23179554; Lebigot et al. 2017. PubMed ID: 28803783; Wachnowsky et al. 2017. PubMed ID: 28161430). This variant is reported in 0.085% of alleles in individuals of Latino descent in gnomAD. This variant is interpreted as pathogenic.

Baylor Genetics
Classification: Pathogenic for Multiple mitochondrial dysfunctions syndrome 1. Last evaluated: 2023-01-22. Review status: criteria provided, single submitter. Criteria: ACMG Guidelines, 2015. Collection method: clinical testing. Allele origin: unknown.

Blueprint Genetics
Classification: Pathogenic for NFU1-related disorders. Last evaluated: 2022-09-16. Review status: criteria provided, single submitter. Criteria: ACMG Guidelines, 2015. Collection method: clinical testing. Allele origin: de novo. Affected: yes. Observed: 5 variant alleles.

GeneDx
Classification: Pathogenic. Last evaluated: 2022-02-16. Review status: criteria provided, single submitter. Criteria: GeneDx Variant Classification Process June 2021. Collection method: clinical testing. Allele origin: germline. Affected: yes.
Comment: In vitro functional studies in yeast showed that NFU1 protein with the G208C variant is functionally impaired (Navarro-Sastre et al., 2011), and protein expression profiles were impaired in fibroblasts from patients who are homozygous or compound heterozygous for the G208C variant (Ferrer-Corts et al., 2013).; In silico analysis supports that this missense variant has a deleterious effect on protein structure/function; This variant is associated with the following publications: (PMID: 28161430, 24462778, 23179554, 22077971, 28803783, 29019354, 28906593, 25918518, 29441221, 31970900, 31589614)

Revvity Omics, Revvity
Classification: Pathogenic for Multiple mitochondrial dysfunctions syndrome 1. Last evaluated: 2021-05-01. Review status: criteria provided, single submitter. Criteria: ACMG Guidelines, 2015. Collection method: clinical testing. Allele origin: germline.

Rady Children's Institute for Genomic Medicine, Rady Children's Hospital San Diego
Classification: Pathogenic for MULTIPLE MITOCHONDRIAL DYSFUNCTIONS SYNDROME 1. Last evaluated: 2020-05-14. Review status: criteria provided, single submitter. Criteria: ACMG Guidelines, 2015. Collection method: clinical testing. Allele origin: germline. Affected: yes.
Comment: This variant has been previously reported as a compound heterozygous and homozygous change in patients with mitochondrial disease and cystic leukoencephalopathy (PMID: 22077971, 24462778, 28803783, 29441221). Functional studies showed absence of protein-bound lipoic acid in fibroblasts from individuals with this variant in the homozygous and compound heterozygous state, and decreased levels of lipoic acid in muscle biopsies from these individuals (PMID: 22077971, 23179554). It is present in the heterozygous state in the gnomAD population database at a frequency of .013% (38/282860) and thus is presumed to be rare. The c.622G>T (p.Gly208Cys) variant affects a highly conserved amino acid and is predicted by multiple in silico tools to have a deleterious effect on protein function. Based on the available evidence, the c.622G>T (p.Gly208Cys) variant is classified as Pathogenic.

OMIM
Classification: Pathogenic for MULTIPLE MITOCHONDRIAL DYSFUNCTIONS SYNDROME 1. Last evaluated: 2011-11-11. Review status: no assertion criteria provided. Collection method: literature only. Allele origin: germline. Not counted in ClinVar's aggregate classification.

Joint Genome Diagnostic Labs from Nijmegen and Maastricht, Radboudumc and MUMC+
Classification: Pathogenic. Review status: no assertion criteria provided. Collection method: clinical testing. Allele origin: germline. Affected: yes. Study: VKGL Data-share Consensus. Not counted in ClinVar's aggregate classification.

Laboratory of Diagnostic Genome Analysis, Leiden University Medical Center (LUMC)
Classification: Pathogenic. Review status: no assertion criteria provided. Collection method: clinical testing. Allele origin: germline. Affected: yes. Study: VKGL Data-share Consensus. Not counted in ClinVar's aggregate classification.

Literature cited by the submitters: PubMed 22077971 (cited by Labcorp Genetics (formerly Invitae), Labcorp and OMIM); PubMed 28803783 (cited by Labcorp Genetics (formerly Invitae), Labcorp); PubMed 29441221 (cited by Labcorp Genetics (formerly Invitae), Labcorp); PubMed 31970900 (cited by Labcorp Genetics (formerly Invitae), Labcorp); PubMed 28161430 (cited by Labcorp Genetics (formerly Invitae), Labcorp); PubMed 31461310 (cited by Labcorp Genetics (formerly Invitae), Labcorp); PubMed 25918518 (cited by OMIM); PubMed 24462778 (cited by OMIM).

NM_001002755.4(NFU1):c.622G>T (p.Gly208Cys)

Gene: NFU1 (NFU1 iron-sulfur cluster scaffold; minus strand). Cytogenetic location: 2p13.3.
Variant type: single nucleotide variant.
Coding change: c.622G>T on transcript NM_001002755.4 (MANE Select); coding-DNA position 622, G replaced by T.
Protein change: p.Gly208Cys; replaces glycine 208 with cysteine.
Molecular consequence: missense variant. On other transcripts: non-coding transcript variant (1).
Genome position (GRCh38, 1-based): chr2:69,400,462, C>A on the plus strand (G>T on the coding strand, the complement: NFU1 is on the minus strand). VCF-style: chr2-69400462-C-A. GRCh37 (hg19) VCF-style: chr2-69627594-C-A.
Other names: c.199G>T, p.Gly67Cys (NM_001002756.2); c.550G>T, p.Gly184Cys (NM_001374284.1, NM_015700.4); short protein forms G208C, G67C, G184C.
Identifiers: ClinVar variation 30700 (VCV000030700.24), dbSNP rs374514431, ClinGen allele CA129406.
Genomic context (GRCh38, chr2:69,400,462, plus strand): 5'-GCATGTTCTGAATTCCATTTTTCAGAGTAATGATTGAACTAGGGCAGCTGGTACAAGAAC[C>A]CTGGAGTTTCAGCTGTACAATGCCATCTTCAAAGCCTTTGTAGATTACATCCCCTCCATC-3'
Protein context (NP_001002755.1, residues 198-218): EDGIVQLKLQ[Gly208Cys]SCTSCPSSII